The following is an entry in ClinVar:

NM_001081.4(CUBN):c.1788T>C (p.Gly596=)

Gene: CUBN (cubilin; minus strand). Cytogenetic location: 10p13.
Variant type: single nucleotide variant.
Coding change: c.1788T>C on transcript NM_001081.4 (MANE Select); coding-DNA position 1788, T replaced by C.
Protein change: p.Gly596=; no amino-acid change (glycine 596 retained).
Molecular consequence: synonymous variant.
Genome position (GRCh38, 1-based): chr10:17,088,323, A>G on the plus strand (T>C on the coding strand, the complement: CUBN is on the minus strand). VCF-style: chr10-17088323-A-G. GRCh37 (hg19) VCF-style: chr10-17130322-A-G.
Identifiers: ClinVar variation 2741654 (VCV002741654.5), dbSNP rs551538811, ClinGen allele CA203588519.

ClinVar aggregate classification (germline): Likely benign. Review status: criteria provided, single submitter (1 of 4 stars). 2 submissions from 2 submitters: Likely benign (1). 1 of the submissions does not count toward it. Last evaluated 2025-08-25.

Conditions:
CUBN-related disorder. Also called: CUBN-related condition.
Imerslund-Grasbeck syndrome. Also called: ENTEROCYTE COBALAMIN MALABSORPTION; ENTEROCYTE INTRINSIC FACTOR RECEPTOR, DEFECT OF; Imerslund-Gräsbeck syndrome; Megaloblastic anemia due to inborn errors of metabolism; PERNICIOUS ANEMIA, JUVENILE, DUE TO SELECTIVE INTESTINAL MALABSORPTION OF VITAMIN B12, WITH PROTEINURIA. Identifiers: Orphanet 35858, MedGen C4551825, MONDO:0009853.

Allele frequency attached by ClinVar (database versions not stated): gnomAD exomes 0.00001; TOPMed 0.00013; gnomAD 0.00004.
gnomAD v4.1: 21 of 1,612,532 alleles (0.0013%); highest among the groups gnomAD compares: Admixed American, 0.0083%; no homozygotes.

Submissions (2):

Labcorp Genetics (formerly Invitae), Labcorp
Classification: Likely benign for Imerslund-Grasbeck syndrome. Last evaluated: 2025-08-25. Review status: criteria provided, single submitter. Criteria: Invitae Variant Classification Sherloc (09022015). Collection method: clinical testing. Allele origin: germline.

PreventionGenetics, part of Exact Sciences
Classification: Likely benign for CUBN-related condition. Last evaluated: 2019-06-21. Review status: no assertion criteria provided. Collection method: clinical testing. Allele origin: germline. Not counted in ClinVar's aggregate classification.
Comment: This variant is classified as likely benign based on ACMG/AMP sequence variant interpretation guidelines (Richards et al. 2015 PMID: 25741868, with internal and published modifications).